The following is an entry in ClinVar:

NM_000218.3(KCNQ1):c.1514+6788T>C

Genes: KCNQ1 (potassium voltage-gated channel subfamily Q member 1; plus strand), KCNQ1OT1 (KCNQ1 opposite strand/antisense transcript 1; minus strand). Cytogenetic location: 11p15.5.
Variant type: single nucleotide variant.
Coding change: c.1514+6788T>C on transcript NM_000218.3 (MANE Select); 6788 bases into the intron after coding-DNA position 1514, T replaced by C.
Molecular consequence: intron variant. On other transcripts: non-coding transcript variant (1).
Genome position (GRCh38, 1-based): chr11:2,668,869, T>C. VCF-style: chr11-2668869-T-C. GRCh37 (hg19) VCF-style: chr11-2690099-T-C.
Other names: c.1244+6788T>C (NM_001406837.1); c.1418+6788T>C (NM_001406836.1); c.974+6788T>C (NM_001406838.1); c.1133+6788T>C (NM_181798.2).
Identifiers: ClinVar variation 3031830 (VCV003031830.2), dbSNP rs554379775, ClinGen allele CA216176685.

ClinVar aggregate classification (germline): Likely benign (0 of 4 stars; one submission).

Conditions:
KCNQ1-related disorder. Also called: KCNQ1-related disorders; KCNQ1-related condition. Identifiers: MedGen CN239322.

Allele frequency attached by ClinVar (database versions not stated): gnomAD 0.00018; TOPMed 0.00020; gnomAD exomes 0.00049.
gnomAD v4.1: 147 of 398,532 alleles (0.037%); highest among the groups gnomAD compares: East Asian, 0.22%; no homozygotes.

Submission:

PreventionGenetics, part of Exact Sciences
Classification: Likely benign for KCNQ1-related condition. Last evaluated: 2022-06-22. Review status: no assertion criteria provided. Collection method: clinical testing. Allele origin: germline.
Comment: This variant is classified as likely benign based on ACMG/AMP sequence variant interpretation guidelines (Richards et al. 2015 PMID: 25741868, with internal and published modifications).